The following is an entry in ClinVar:

NM_153033.5(KCTD7):c.*979C>A

Gene: KCTD7 (potassium channel tetramerization domain containing 7; plus strand). Cytogenetic location: 7q11.21.
Variant type: single nucleotide variant.
Coding change: c.*979C>A on transcript NM_153033.5 (MANE Select); 979 bases downstream of the stop codon, C replaced by A.
Molecular consequence: 3 prime UTR variant. On other transcripts: intron variant (1).
Genome position (GRCh38, 1-based): chr7:66,640,211, C>A. VCF-style: chr7-66640211-C-A. GRCh37 (hg19) VCF-style: chr7-66105198-C-A.
Other names: c.867-183C>A (NM_001167961.2).
Identifiers: ClinVar variation 360601 (VCV000360601.9), dbSNP rs9791713, ClinGen allele CA10624186.

ClinVar aggregate classification (germline): Benign. Review status: criteria provided, multiple submitters, no conflicts (2 of 4 stars). 3 submissions from 3 submitters: Benign (3). Last evaluated 2018-06-14.

Conditions:
Progressive myoclonic epilepsy type 3. Also called: EPILEPSY, PROGRESSIVE MYOCLONIC, 3, WITH OR WITHOUT INTRACELLULAR INCLUSIONS; CEROID LIPOFUSCINOSIS, NEURONAL, 14; EPILEPSY, PROGRESSIVE MYOCLONIC, 3, WITHOUT INTRACELLULAR INCLUSIONS; KCTD7-Related Progressive Myoclonic Epilepsy. Identifiers: Orphanet 263516, MedGen C2673257, MONDO:0012721, OMIM 611726.

Allele frequency attached by ClinVar (database versions not stated): 1000 Genomes Project 0.62360; 1000 Genomes Project 30x 0.62742; gnomAD exomes 0.63257; TOPMed 0.66473; gnomAD 0.66699 and 0.67429.
gnomAD v4.1: 917,535 of 1,442,998 alleles (64%); highest among the groups gnomAD compares: African/African-American, 77%; 293,955 homozygotes.

Submissions (3):

GeneDx
Classification: Benign. Last evaluated: 2018-06-14. Review status: criteria provided, single submitter. Criteria: GeneDx Variant Classification Process June 2021. Collection method: clinical testing. Allele origin: germline. Affected: yes.

Illumina Laboratory Services, Illumina
Classification: Benign for Progressive myoclonic epilepsy type 3. Last evaluated: 2018-01-12. Review status: criteria provided, single submitter. Criteria: ICSL Variant Classification Criteria 13 December 2019. Collection method: clinical testing. Allele origin: germline.
Comment: This variant was observed in the ICSL laboratory as part of a predisposition screen in an ostensibly healthy population. It had not been previously curated by ICSL or reported in the Human Gene Mutation Database (HGMD: prior to June 1st, 2018), and was therefore a candidate for classification through an automated scoring system. Utilizing variant allele frequency, disease prevalence and penetrance estimates, and inheritance mode, an automated score was calculated to assess if this variant is too frequent to cause the disease. Based on the score and internal cut-off values, a variant classified as benign is not then subjected to further curation. The score for this variant resulted in a classification of benign for this disease.

Breakthrough Genomics
Classification: Benign. Review status: criteria provided, single submitter. Criteria: ACMG Guidelines, 2015. Collection method: not provided. Allele origin: germline. Inheritance: Autosomal recessive inheritance. Affected: yes.